The following is an entry in ClinVar:

NM_000138.5(FBN1):c.3905C>T (p.Ser1302Leu)

Gene: FBN1 (fibrillin 1; minus strand). Cytogenetic location: 15q21.1.
Variant type: single nucleotide variant.
Coding change: c.3905C>T on transcript NM_000138.5 (MANE Select); coding-DNA position 3905, C replaced by T.
Protein change: p.Ser1302Leu; replaces serine 1302 with leucine.
Molecular consequence: missense variant.
Genome position (GRCh38, 1-based): chr15:48,481,714, G>A on the plus strand (C>T on the coding strand, the complement: FBN1 is on the minus strand). VCF-style: chr15-48481714-G-A. GRCh37 (hg19) VCF-style: chr15-48773911-G-A.
Other names: c.3905C>T, p.Ser1302Leu (NM_001406716.1); short protein forms S1302L.
Identifiers: ClinVar variation 3070839 (VCV003070839.4), dbSNP rs777932343, ClinGen allele CA051697.

ClinVar aggregate classification (germline): Uncertain significance. Review status: criteria provided, multiple submitters, no conflicts (2 of 4 stars). 3 submissions from 3 submitters: Uncertain significance (3). Last evaluated 2024-11-19.

Conditions:
Marfan syndrome (MFS). Also called: MARFAN SYNDROME, TYPE I; Marfan syndrome type 1; Marfan's syndrome; Marfan syndrome, classic; FBN1-Related Marfan Syndrome. Identifiers: Orphanet 284963, Orphanet 558, MedGen C0024796, MONDO:0007947, OMIM 154700.
Familial thoracic aortic aneurysm and aortic dissection (TAAD). Also called: Thoracic aortic aneurysms and dissections. Identifiers: Orphanet 91387, MedGen C4707243, MONDO:0019625.

Allele frequency attached by ClinVar (database versions not stated): ExAC 0.00001; gnomAD exomes below 0.00001.
gnomAD v4.1: 1 of 1,613,654 alleles (0.000062%); highest among the groups gnomAD compares: Non-Finnish European, 0.000085%; no homozygotes.

Submissions (3):

Labcorp Genetics (formerly Invitae), Labcorp
Classification: Uncertain significance for Marfan syndrome; Familial thoracic aortic aneurysm and aortic dissection. Last evaluated: 2024-11-19. Review status: criteria provided, single submitter. Criteria: Invitae Variant Classification Sherloc (09022015). Collection method: clinical testing. Allele origin: germline.
Comment: This sequence change replaces serine, which is neutral and polar, with leucine, which is neutral and non-polar, at codon 1302 of the FBN1 protein (p.Ser1302Leu). This variant is present in population databases (rs777932343, gnomAD 0.0009%). This variant has not been reported in the literature in individuals affected with FBN1-related conditions. ClinVar contains an entry for this variant (Variation ID: 3070839). Invitae Evidence Modeling of protein sequence and biophysical properties (such as structural, functional, and spatial information, amino acid conservation, physicochemical variation, residue mobility, and thermodynamic stability) indicates that this missense variant is expected to disrupt FBN1 protein function with a positive predictive value of 95%. In summary, the available evidence is currently insufficient to determine the role of this variant in disease. Therefore, it has been classified as a Variant of Uncertain Significance.

Blueprint Genetics
Classification: Uncertain significance. Last evaluated: 2024-09-10. Review status: criteria provided, single submitter. Criteria: ACMG Guidelines, 2015. Collection method: clinical testing. Allele origin: germline.

All of Us Research Program, National Institutes of Health
Classification: Uncertain significance for Marfan syndrome. Last evaluated: 2023-05-04. Review status: criteria provided, single submitter. Criteria: ACMG Guidelines, 2015. Collection method: clinical testing. Allele origin: germline. Inheritance: Autosomal dominant inheritance. Observed: 1 variant allele, 1 heterozygote.
Comment: This missense variant replaces serine with leucine at codon 1302 of the FBN1 protein. Computational prediction suggests that this variant may have deleterious impact on protein structure and function (internally defined REVEL score threshold >= 0.7, PMID: 27666373). To our knowledge, functional studies have not been reported for this variant. This variant has not been reported in individuals affected with FBN1-related disorders in the literature. This variant has been identified in 1/251340 chromosomes in the general population by the Genome Aggregation Database (gnomAD). The available evidence is insufficient to determine the role of this variant in disease conclusively. Therefore, this variant is classified as a Variant of Uncertain Significance.

This study involves interpretation of variants in research participants for the purpose of population health screening. Participant phenotype was not available at the time of variant classification. Additional details can be found in publication PMID: 35346344, PMCID: PMC8962531